The following is an entry in ClinVar:

ClinVar aggregate classification (germline): Uncertain significance (1 of 4 stars; one submission).

Conditions:
Combined immunodeficiency due to LRBA deficiency. Also called: Common variable immunodeficiency 8, with autoimmunity. Identifiers: Orphanet 445018, MedGen C3553512, MONDO:0013863, OMIM 614700.

Allele frequency attached by ClinVar (database versions not stated): gnomAD exomes below 0.00001.
gnomAD v4.1: 1 of 1,544,310 alleles (0.000065%); highest among the groups gnomAD compares: Non-Finnish European, 0.000087%; no homozygotes.

Submission:

Labcorp Genetics (formerly Invitae), Labcorp
Classification: Uncertain significance for Combined immunodeficiency due to LRBA deficiency. Last evaluated: 2022-11-15. Review status: criteria provided, single submitter. Criteria: Invitae Variant Classification Sherloc (09022015). Collection method: clinical testing. Allele origin: germline.
Comment: In summary, the available evidence is currently insufficient to determine the role of this variant in disease. Therefore, it has been classified as a Variant of Uncertain Significance. Algorithms developed to predict the effect of missense changes on protein structure and function output the following: SIFT: "Tolerated"; PolyPhen-2: "Benign"; Align-GVGD: "Class C0". The isoleucine amino acid residue is found in multiple mammalian species, which suggests that this missense change does not adversely affect protein function. This variant has not been reported in the literature in individuals affected with LRBA-related conditions. This variant is not present in population databases (gnomAD no frequency). This sequence change replaces valine, which is neutral and non-polar, with isoleucine, which is neutral and non-polar, at codon 1878 of the LRBA protein (p.Val1878Ile).

NM_001364905.1(LRBA):c.5632G>A (p.Val1878Ile)

Gene: LRBA (LPS responsive beige-like anchor protein; minus strand). Cytogenetic location: 4q31.3.
Variant type: single nucleotide variant.
Coding change: c.5632G>A on transcript NM_001364905.1 (MANE Select); coding-DNA position 5632, G replaced by A.
Protein change: p.Val1878Ile; replaces valine 1878 with isoleucine.
Molecular consequence: missense variant.
Genome position (GRCh38, 1-based): chr4:150,761,796, C>T on the plus strand (G>A on the coding strand, the complement: LRBA is on the minus strand). VCF-style: chr4-150761796-C-T. GRCh37 (hg19) VCF-style: chr4-151682948-C-T.
Other names: c.5632G>A, p.Val1878Ile (NM_001199282.3, NM_001367550.1, NM_006726.5); short protein forms V1878I.
Identifiers: ClinVar variation 2814401 (VCV002814401.3), dbSNP rs1262956027, ClinGen allele CA358607886.